The following is an entry in ClinVar:

NM_000152.5(GAA):c.2294G>T (p.Gly765Val)

Gene: GAA (alpha glucosidase; plus strand). Cytogenetic location: 17q25.3.
Variant type: single nucleotide variant.
Coding change: c.2294G>T on transcript NM_000152.5 (MANE Select); coding-DNA position 2294, G replaced by T.
Protein change: p.Gly765Val; replaces glycine 765 with valine.
Molecular consequence: missense variant.
Genome position (GRCh38, 1-based): chr17:80,117,072, G>T. VCF-style: chr17-80117072-G-T. GRCh37 (hg19) VCF-style: chr17-78090871-G-T.
Other names: c.2294G>T, p.Gly765Val (NM_001079803.3, NM_001079804.3); short protein forms G765V.
Identifiers: ClinVar variation 1505178 (VCV001505178.8), dbSNP rs1292367136, ClinGen allele CA401324882.

ClinVar aggregate classification (germline): Uncertain significance (1 of 4 stars; one submission).

Conditions:
Glycogen storage disease, type II (IOPD). Also called: Glucosidase acid-1,4-alpha deficiency; Pompe Disease; GLYCOGENOSIS, GENERALIZED, CARDIAC FORM; GSD II; POMPE DISEASE, INFANTILE-ONSET; GLYCOGEN STORAGE DISEASE II, INFANTILE-ONSET. Identifiers: Orphanet 365, MedGen C0017921, MONDO:0009290, OMIM 232300.

Submission:

Labcorp Genetics (formerly Invitae), Labcorp
Classification: Uncertain significance for Glycogen storage disease, type II. Last evaluated: 2020-12-02. Review status: criteria provided, single submitter. Criteria: Invitae Variant Classification Sherloc (09022015). Collection method: clinical testing. Allele origin: germline.
Comment: In summary, the available evidence is currently insufficient to determine the role of this variant in disease. Therefore, it has been classified as a Variant of Uncertain Significance. Advanced modeling of protein sequence and biophysical properties (such as structural, functional, and spatial information, amino acid conservation, physicochemical variation, residue mobility, and thermodynamic stability) performed at Invitae indicates that this missense variant is not expected to disrupt GAA protein function. This variant has not been reported in the literature in individuals with GAA-related conditions. This variant is not present in population databases (ExAC no frequency). This sequence change replaces glycine with valine at codon 765 of the GAA protein (p.Gly765Val). The glycine residue is moderately conserved and there is a moderate physicochemical difference between glycine and valine.